The following is an entry in ClinVar:

NM_000246.4(CIITA):c.2718G>C (p.Lys906Asn)

Gene: CIITA (class II major histocompatibility complex transactivator; plus strand). Cytogenetic location: 16p13.13.
Variant type: single nucleotide variant.
Coding change: c.2718G>C on transcript NM_000246.4 (MANE Select); coding-DNA position 2718, G replaced by C.
Protein change: p.Lys906Asn; replaces lysine 906 with asparagine.
Molecular consequence: missense variant.
Genome position (GRCh38, 1-based): chr16:10,909,089, G>C. VCF-style: chr16-10909089-G-C. GRCh37 (hg19) VCF-style: chr16-11002946-G-C.
Other names: c.2721G>C, p.Lys907Asn (NM_001286402.1, NM_001379332.1); c.966G>C, p.Lys322Asn (NM_001286403.2); c.2574G>C, p.Lys858Asn (NM_001379330.1); c.2571G>C, p.Lys857Asn (NM_001379331.1); c.2718G>C, p.Lys906Asn (NM_001379333.1); c.2649G>C, p.Lys883Asn (NM_001379334.1); short protein forms K322N, K883N, K907N, K906N, K857N, K858N.
Identifiers: ClinVar variation 1988098 (VCV001988098.2), dbSNP rs1194031298, ClinGen allele CA394734857.

ClinVar aggregate classification (germline): Uncertain significance. Review status: criteria provided, multiple submitters, no conflicts (2 of 4 stars). 2 submissions from 2 submitters: Uncertain significance (2). Last evaluated 2025-08-10.

Conditions:
Inborn genetic diseases. Identifiers: MedGen C0950123, MeSH D030342.
MHC class II deficiency. Also called: Bare lymphocyte syndrome 2; BLS, TYPE II. Identifiers: Orphanet 572, MedGen C5447452, MONDO:0008855.

Allele frequency attached by ClinVar (database versions not stated): gnomAD exomes below 0.00001.
gnomAD v4.1: 2 of 1,614,180 alleles (0.00012%); highest among the groups gnomAD compares: Non-Finnish European, 0.000085%; no homozygotes.

Submissions (2):

Ambry Genetics
Classification: Uncertain significance for Inborn genetic diseases. Last evaluated: 2025-08-10. Review status: criteria provided, single submitter. Criteria: Ambry Variant Classification Scheme 2023. Collection method: clinical testing. Allele origin: germline.

Labcorp Genetics (formerly Invitae), Labcorp
Classification: Uncertain significance for MHC class II deficiency. Last evaluated: 2022-08-31. Review status: criteria provided, single submitter. Criteria: Invitae Variant Classification Sherloc (09022015). Collection method: clinical testing. Allele origin: germline.
Comment: This sequence change replaces lysine, which is basic and polar, with asparagine, which is neutral and polar, at codon 906 of the CIITA protein (p.Lys906Asn). This variant is present in population databases (no rsID available, gnomAD 0.0009%). This variant has not been reported in the literature in individuals affected with CIITA-related conditions. Algorithms developed to predict the effect of missense changes on protein structure and function (SIFT, PolyPhen-2, Align-GVGD) all suggest that this variant is likely to be tolerated. In summary, the available evidence is currently insufficient to determine the role of this variant in disease. Therefore, it has been classified as a Variant of Uncertain Significance.